The following is an entry in ClinVar:

NM_002470.4(MYH3):c.4323C>T (p.Ala1441=)

Gene: MYH3 (myosin heavy chain 3; minus strand). Cytogenetic location: 17p13.1.
Variant type: single nucleotide variant.
Coding change: c.4323C>T on transcript NM_002470.4 (MANE Select); coding-DNA position 4323, C replaced by T.
Protein change: p.Ala1441=; no amino-acid change (alanine 1441 retained).
Molecular consequence: synonymous variant.
Genome position (GRCh38, 1-based): chr17:10,634,873, G>A on the plus strand (C>T on the coding strand, the complement: MYH3 is on the minus strand). VCF-style: chr17-10634873-G-A. GRCh37 (hg19) VCF-style: chr17-10538190-G-A.
Identifiers: ClinVar variation 321725 (VCV000321725.8), dbSNP rs185355384, ClinGen allele CA8392270.

ClinVar aggregate classification (germline): Conflicting classifications of pathogenicity. Review status: criteria provided, conflicting classifications (1 of 4 stars). 3 submissions from 2 submitters: Uncertain significance (1); Benign (2). Last evaluated 2026-01-12.

Conditions:
Distal arthrogryposis type 2B1 (DA2B1). Also called: Arthrogryposis multiplex congenita distal type II with craniofacial abnormalities. Identifiers: Orphanet 1147, MedGen C5193014, MONDO:0020820, OMIM 601680.
Freeman-Sheldon syndrome (DA2A). Also called: CRANIOCARPOTARSAL DYSPLASIA; CRANIOCARPOTARSAL DYSTROPHY; WHISTLING FACE-WINDMILL VANE HAND SYNDROME; Arthrogryposis, distal, type 2A (Freeman-Sheldon). Identifiers: Orphanet 2053, MedGen C0265224, MONDO:0008675, OMIM 193700.

Allele frequency attached by ClinVar (database versions not stated): gnomAD exomes 0.00002 and 0.00005; TOPMed 0.00003; gnomAD 0.00004 and 0.00005; ExAC 0.00007; 1000 Genomes Project 0.00020; 1000 Genomes Project 30x 0.00031.
gnomAD v4.1: 38 of 1,614,098 alleles (0.0024%); highest among the groups gnomAD compares: East Asian, 0.0045%; no homozygotes.

Submissions (3):

Labcorp Genetics (formerly Invitae), Labcorp
Classification: Benign. Last evaluated: 2026-01-12. Review status: criteria provided, single submitter. Criteria: Invitae Variant Classification Sherloc (09022015). Collection method: clinical testing. Allele origin: germline.

Illumina Laboratory Services, Illumina
Classification: Benign for Freeman-Sheldon syndrome. Last evaluated: 2018-01-12. Review status: criteria provided, single submitter. Criteria: ICSL Variant Classification Criteria 13 December 2019. Collection method: clinical testing. Allele origin: germline.
Comment: This variant was observed in the ICSL laboratory as part of a predisposition screen in an ostensibly healthy population. It had not been previously curated by ICSL or reported in the Human Gene Mutation Database (HGMD: prior to June 1st, 2018), and was therefore a candidate for classification through an automated scoring system. Utilizing variant allele frequency, disease prevalence and penetrance estimates, and inheritance mode, an automated score was calculated to assess if this variant is too frequent to cause the disease. Based on the score and internal cut-off values, a variant classified as benign is not then subjected to further curation. The score for this variant resulted in a classification of benign for this disease.

Illumina Laboratory Services, Illumina
Classification: Uncertain significance for Distal arthrogryposis type 2B1. Last evaluated: 2018-01-12. Review status: criteria provided, single submitter. Criteria: ICSL Variant Classification Criteria 13 December 2019. Collection method: clinical testing. Allele origin: germline.